The following is an entry in ClinVar:

NM_006109.5(PRMT5):c.1585A>G (p.Met529Val)

Genes: PRMT5-AS1 (PRMT5 antisense RNA 1; plus strand), PRMT5 (protein arginine methyltransferase 5; minus strand). Cytogenetic location: 14q11.2.
Variant type: single nucleotide variant.
Coding change: c.1585A>G on transcript NM_006109.5 (MANE Select); coding-DNA position 1585, A replaced by G.
Protein change: p.Met529Val; replaces methionine 529 with valine.
Molecular consequence: missense variant.
Genome position (GRCh38, 1-based): chr14:22,922,554, T>C on the plus strand (A>G on the coding strand, the complement: PRMT5 is on the minus strand). VCF-style: chr14-22922554-T-C. GRCh37 (hg19) VCF-style: chr14-23391763-T-C.
Other names: c.1534A>G, p.Met512Val (NM_001039619.3); c.1402A>G, p.Met468Val (NM_001282953.2); c.1267A>G, p.Met423Val (NM_001282954.2); c.1453A>G, p.Met485Val (NM_001282955.2); c.1072A>G, p.Met358Val (NM_001282956.2); short protein forms M358V, M423V, M468V, M485V, M512V, M529V.
Identifiers: ClinVar variation 3025242 (VCV003025242.22), dbSNP rs147575039, ClinGen allele CA7107024.

ClinVar aggregate classification (germline): Likely benign (1 of 4 stars; one submission).

Allele frequency attached by ClinVar (database versions not stated): 1000 Genomes Project 0.00020; 1000 Genomes Project 30x 0.00031; ExAC 0.00132; ESP Exome Variant Server 0.00177.
gnomAD v4.1: 2,671 of 1,611,896 alleles (0.17%); highest among the groups gnomAD compares: Non-Finnish European, 0.14%; 13 homozygotes.

Submission:

CeGaT Center for Human Genetics Tuebingen
Classification: Likely benign. Last evaluated: 2023-12-01. Review status: criteria provided, single submitter. Criteria: CeGaT Center For Human Genetics Tuebingen Variant Classification Criteria Version 2. Collection method: clinical testing. Allele origin: germline. Affected: yes. Observed: 1 variant allele.
Comment: PRMT5: BP4, BS1